The following is an entry in ClinVar:

ClinVar aggregate classification (germline): Uncertain significance (1 of 4 stars; one submission).

Conditions:
Hereditary cancer-predisposing syndrome. Also called: Neoplastic Syndromes, Hereditary; Tumor predisposition; Hereditary Cancer Syndrome; Hereditary neoplastic syndrome. Identifiers: Orphanet 140162, MedGen C0027672, MeSH D009386, MONDO:0015356.

Submission:

Ambry Genetics
Classification: Uncertain significance for Hereditary cancer-predisposing syndrome. Last evaluated: 2020-02-14. Review status: criteria provided, single submitter. Criteria: Ambry Variant Classification Scheme 2023. Collection method: clinical testing. Allele origin: germline.
Comment: The p.F1323S variant (also known as c.3968T>C), located in coding exon 27 of the ALK gene, results from a T to C substitution at nucleotide position 3968. The phenylalanine at codon 1323 is replaced by serine, an amino acid with highly dissimilar properties. This amino acid position is highly conserved in available vertebrate species. In addition, this alteration is predicted to be deleterious by in silico analysis. Since supporting evidence is limited at this time, the clinical significance of this alteration remains unclear.

NM_004304.5(ALK):c.3968T>C (p.Phe1323Ser)

Gene: ALK (ALK receptor tyrosine kinase; minus strand). Cytogenetic location: 2p23.2.
Variant type: single nucleotide variant.
Coding change: c.3968T>C on transcript NM_004304.5 (MANE Select); coding-DNA position 3968, T replaced by C.
Protein change: p.Phe1323Ser; replaces phenylalanine 1323 with serine.
Molecular consequence: missense variant.
Genome position (GRCh38, 1-based): chr2:29,197,647, A>G on the plus strand (T>C on the coding strand, the complement: ALK is on the minus strand). VCF-style: chr2-29197647-A-G. GRCh37 (hg19) VCF-style: chr2-29420513-A-G.
Other names: c.764T>C, p.Phe255Ser (NM_001353765.2); short protein forms F1323S, F255S.
Identifiers: ClinVar variation 1736574 (VCV001736574.2), dbSNP rs1204438156, ClinGen allele CA346466349.
Genomic context (GRCh38, chr2:29,197,647, plus strand): 5'-GTGACAAACTCCAGAACTTCCTGGTTGCTTTTGCTGGGGTATGGCATATATCCAAGAGAA[A>G]AGATTTCCCATAGCAGCACTCCAAAGGACCTGGGCATGGGACAGAGGACATGGAGATGGA-3'
Protein context (NP_004295.2, residues 1313-1333): WSFGVLLWEI[Phe1323Ser]SLGYMPYPSK